The following is an entry in ClinVar:

NM_000059.4(BRCA2):c.6269A>T (p.His2090Leu)

Gene: BRCA2 (BRCA2 DNA repair associated; plus strand). Cytogenetic location: 13q13.1.
Variant type: single nucleotide variant.
Coding change: c.6269A>T on transcript NM_000059.4 (MANE Select); coding-DNA position 6269, A replaced by T.
Protein change: p.His2090Leu; replaces histidine 2090 with leucine.
Molecular consequence: missense variant.
Genome position (GRCh38, 1-based): chr13:32,340,624, A>T. VCF-style: chr13-32340624-A-T. GRCh37 (hg19) VCF-style: chr13-32914761-A-T.
Other names: short protein forms H2090L.
Identifiers: ClinVar variation 566423 (VCV000566423.14), dbSNP rs397507366, ClinGen allele CA387788969.

ClinVar aggregate classification (germline): Conflicting classifications of pathogenicity. Review status: criteria provided, conflicting classifications (1 of 4 stars). 3 submissions from 3 submitters: Uncertain significance (2); Likely benign (1). Last evaluated 2023-03-23.

Conditions:
Hereditary cancer-predisposing syndrome. Also called: Neoplastic Syndromes, Hereditary; Tumor predisposition; Hereditary neoplastic syndrome; Hereditary Cancer Syndrome. Identifiers: Orphanet 140162, MedGen C0027672, MeSH D009386, MONDO:0015356.
Hereditary breast ovarian cancer syndrome. Also called: Hereditary breast and ovarian cancer syndrome (HBOC); Hereditary breast and ovarian cancer; Hereditary breast and/or ovarian cancer syndrome; Hereditary breast and ovarian cancer syndrome; Breast and ovarian cancer; BRCA1- and BRCA2-Associated Hereditary Breast and Ovarian Cancer. Identifiers: Orphanet 145, MedGen C0677776, MeSH D061325, MONDO:0003582. Disease mechanism: loss of function.

Submissions (3):

University of Washington Department of Laboratory Medicine, University of Washington
Classification: Likely benign for Hereditary cancer-predisposing syndrome. Last evaluated: 2023-03-23. Review status: criteria provided, single submitter. Criteria: Dines et al. (Genet Med. 2020). Collection method: curation. Allele origin: germline.
Comment: Missense variant in a coldspot region where missense variants are very unlikely to be pathogenic (PMID:31911673).

BRCA2 exon 11 coldspot. Reclassification based on statistical prior probability.

Ambry Genetics
Classification: Uncertain significance for Hereditary cancer-predisposing syndrome. Last evaluated: 2021-01-15. Review status: criteria provided, single submitter. Criteria: Ambry Variant Classification Scheme 2023. Collection method: clinical testing. Allele origin: germline.
Comment: The p.H2090L variant (also known as c.6269A>T), located in coding exon 10 of the BRCA2 gene, results from an A to T substitution at nucleotide position 6269. The histidine at codon 2090 is replaced by leucine, an amino acid with similar properties. This amino acid position is poorly conserved in available vertebrate species. In addition, this alteration is predicted to be tolerated by in silico analysis. Since supporting evidence is limited at this time, the clinical significance of this alteration remains unclear.

Labcorp Genetics (formerly Invitae), Labcorp
Classification: Uncertain significance for Hereditary breast ovarian cancer syndrome. Last evaluated: 2020-01-21. Review status: criteria provided, single submitter. Criteria: Invitae Variant Classification Sherloc (09022015). Collection method: clinical testing. Allele origin: germline.
Comment: In summary, the available evidence is currently insufficient to determine the role of this variant in disease. Therefore, it has been classified as a Variant of Uncertain Significance. This sequence change replaces histidine with leucine at codon 2090 of the BRCA2 protein (p.His2090Leu). The histidine residue is weakly conserved and there is a moderate physicochemical difference between histidine and leucine. This variant is not present in population databases (ExAC no frequency). This variant has not been reported in the literature in individuals with BRCA2-related disease. Algorithms developed to predict the effect of missense changes on protein structure and function (SIFT, PolyPhen-2, Align-GVGD) all suggest that this variant is likely to be tolerated, but these predictions have not been confirmed by published functional studies and their clinical significance is uncertain.